The following is an entry in ClinVar:

ClinVar aggregate classification (germline): Uncertain significance (1 of 4 stars; one submission).

Submission:

GeneDx
Classification: Uncertain significance. Last evaluated: 2024-08-30. Review status: criteria provided, single submitter. Criteria: GeneDx Variant Classification Process June 2021. Collection method: clinical testing. Allele origin: germline. Affected: yes.
Comment: Not observed at significant frequency in large population cohorts (gnomAD); In silico analysis supports that this missense variant has a deleterious effect on protein structure/function; Has not been previously published as pathogenic or benign to our knowledge

NM_007118.4(TRIO):c.6804A>C (p.Gln2268His)

Gene: TRIO (trio Rho guanine nucleotide exchange factor; plus strand). Cytogenetic location: 5p15.2.
Variant type: single nucleotide variant.
Coding change: c.6804A>C on transcript NM_007118.4 (MANE Select); coding-DNA position 6804, A replaced by C.
Protein change: p.Gln2268His; replaces glutamine 2268 with histidine.
Molecular consequence: missense variant. On other transcripts: non-coding transcript variant (1).
Genome position (GRCh38, 1-based): chr5:14,485,215, A>C. VCF-style: chr5-14485215-A-C. GRCh37 (hg19) VCF-style: chr5-14485324-A-C.
Other names: short protein forms Q2268H.
Identifiers: ClinVar variation 3765977 (VCV003765977.1).